The following is an entry in ClinVar:

ClinVar aggregate classification (germline): Uncertain significance (1 of 4 stars; one submission).

Submission:

Labcorp Genetics (formerly Invitae), Labcorp
Classification: Uncertain significance. Last evaluated: 2023-04-20. Review status: criteria provided, single submitter. Criteria: Invitae Variant Classification Sherloc (09022015). Collection method: clinical testing. Allele origin: germline.
Comment: In summary, the available evidence is currently insufficient to determine the role of this variant in disease. Therefore, it has been classified as a Variant of Uncertain Significance. An algorithm developed to predict the effect of missense changes on protein structure and function (PolyPhen-2) suggests that this variant is likely to be tolerated. This variant has not been reported in the literature in individuals affected with TOP2B-related conditions. This variant is not present in population databases (gnomAD no frequency). This sequence change replaces aspartic acid, which is acidic and polar, with asparagine, which is neutral and polar, at codon 1386 of the TOP2B protein (p.Asp1386Asn).

NM_001330700.2(TOP2B):c.4171G>A (p.Asp1391Asn)

Gene: TOP2B (DNA topoisomerase II beta; minus strand). Cytogenetic location: 3p24.2.
Variant type: single nucleotide variant.
Coding change: c.4171G>A on transcript NM_001330700.2 (MANE Select); coding-DNA position 4171, G replaced by A.
Protein change: p.Asp1391Asn; replaces aspartic acid 1391 with asparagine.
Molecular consequence: missense variant.
Genome position (GRCh38, 1-based): chr3:25,607,298, C>T on the plus strand (G>A on the coding strand, the complement: TOP2B is on the minus strand). VCF-style: chr3-25607298-C-T. GRCh37 (hg19) VCF-style: chr3-25648789-C-T.
Other names: c.4156G>A, p.Asp1386Asn (NM_001068.3); short protein forms D1386N, D1391N.
Identifiers: ClinVar variation 2857666 (VCV002857666.3), dbSNP rs1433725542, ClinGen allele CA351892559.